The following is an entry in ClinVar:

ClinVar aggregate classification (germline): Pathogenic (1 of 4 stars; one submission).

Submission:

Labcorp Genetics (formerly Invitae), Labcorp
Classification: Pathogenic. Last evaluated: 2024-01-24. Review status: criteria provided, single submitter. Criteria: Invitae Variant Classification Sherloc (09022015). Collection method: clinical testing. Allele origin: germline.
Comment: This sequence change creates a premature translational stop signal (p.Gln979*) in the PTPN23 gene. It is expected to result in an absent or disrupted protein product. Loss-of-function variants in PTPN23 are known to be pathogenic (PMID: 29090338, 29899372). This variant is not present in population databases (gnomAD no frequency). This variant has not been reported in the literature in individuals affected with PTPN23-related conditions. ClinVar contains an entry for this variant (Variation ID: 2114008). For these reasons, this variant has been classified as Pathogenic.

Literature cited by the submitters: PubMed 29090338; PubMed 29899372.

NM_015466.4(PTPN23):c.2935C>T (p.Gln979Ter)

Gene: PTPN23 (protein tyrosine phosphatase non-receptor type 23; plus strand). Cytogenetic location: 3p21.31.
Variant type: single nucleotide variant.
Coding change: c.2935C>T on transcript NM_015466.4 (MANE Select); coding-DNA position 2935, C replaced by T.
Protein change: p.Gln979Ter; replaces glutamine 979 with a stop codon.
Molecular consequence: nonsense.
Genome position (GRCh38, 1-based): chr3:47,410,733, C>T. VCF-style: chr3-47410733-C-T. GRCh37 (hg19) VCF-style: chr3-47452223-C-T.
Other names: c.2557C>T, p.Gln853Ter (NM_001304482.2); short protein forms Q853*, Q979*.
Identifiers: ClinVar variation 2114008 (VCV002114008.4), dbSNP rs2546251685, ClinGen allele CA352560817.
Genomic context (GRCh38, chr3:47,410,733, plus strand): 5'-CCTCAGCCCCATCCTTCACAAGCGTTTGGGCCTCAGCCCCCACAGCAGCCCCTTCCACTC[C>T]AGCATCCACATCTCTTCCCACCCCAGGCCCCAGGACTCCTACCCCCACAATCCCCCTACC-3'